The following is an entry in ClinVar:

NM_002234.4(KCNA5):c.56G>A (p.Gly19Asp)

Gene: KCNA5 (potassium voltage-gated channel subfamily A member 5; plus strand). Cytogenetic location: 12p13.32.
Variant type: single nucleotide variant.
Coding change: c.56G>A on transcript NM_002234.4 (MANE Select); coding-DNA position 56, G replaced by A.
Protein change: p.Gly19Asp; replaces glycine 19 with aspartic acid.
Molecular consequence: missense variant.
Genome position (GRCh38, 1-based): chr12:5,044,203, G>A. VCF-style: chr12-5044203-G-A. GRCh37 (hg19) VCF-style: chr12-5153369-G-A.
Other names: short protein forms G19D.
Identifiers: ClinVar variation 2887561 (VCV002887561.3), dbSNP rs1862741567, ClinGen allele CA383461807.

ClinVar aggregate classification (germline): Uncertain significance (1 of 4 stars; one submission).

Conditions:
Atrial fibrillation, familial, 7 (ATFB7). Identifiers: MedGen C2677106, MONDO:0012828, OMIM 612240.

Allele frequency attached by ClinVar (database versions not stated): TOPMed below 0.00001.
gnomAD v4.1: 2 of 1,537,766 alleles (0.00013%); highest among the groups gnomAD compares: African/African-American, 0.0027%; no homozygotes.

Submission:

Labcorp Genetics (formerly Invitae), Labcorp
Classification: Uncertain significance for Atrial fibrillation, familial, 7. Last evaluated: 2023-05-01. Review status: criteria provided, single submitter. Criteria: Invitae Variant Classification Sherloc (09022015). Collection method: clinical testing. Allele origin: germline.
Comment: In summary, the available evidence is currently insufficient to determine the role of this variant in disease. Therefore, it has been classified as a Variant of Uncertain Significance. An algorithm developed to predict the effect of missense changes on protein structure and function (PolyPhen-2) suggests that this variant is likely to be tolerated. This variant has not been reported in the literature in individuals affected with KCNA5-related conditions. This variant is not present in population databases (gnomAD no frequency). This sequence change replaces glycine, which is neutral and non-polar, with aspartic acid, which is acidic and polar, at codon 19 of the KCNA5 protein (p.Gly19Asp).